The following is an entry in ClinVar:

NM_000821.7(GGCX):c.1741-10C>T

Gene: GGCX (gamma-glutamyl carboxylase; minus strand). Cytogenetic location: 2p11.2.
Variant type: single nucleotide variant.
Coding change: c.1741-10C>T on transcript NM_000821.7 (MANE Select); 10 bases into the intron before coding-DNA position 1741, C replaced by T.
Molecular consequence: intron variant.
Genome position (GRCh38, 1-based): chr2:85,551,082, G>A on the plus strand (C>T on the coding strand, the complement: GGCX is on the minus strand). VCF-style: chr2-85551082-G-A. GRCh37 (hg19) VCF-style: chr2-85778205-G-A.
Other names: c.1570-10C>T (NM_001142269.4).
Identifiers: ClinVar variation 3057469 (VCV003057469.4), dbSNP rs773230217, ClinGen allele CA1741739.
Genomic context (GRCh38, chr2:85,551,082, plus strand): 5'-AGAAGGGCTAGGTGATGTCGTATACACCTTATGGTACTCACCAGCAGGCAACTGACAAGG[G>A]AGAAGAAATGGATAAATTTCATCAGCTTTTCTCTAGCCAGCTTATGGCCTCCCTACTCTA-3'

ClinVar aggregate classification (germline): Likely benign. Review status: criteria provided, single submitter (1 of 4 stars). 2 submissions from 2 submitters: Likely benign (1). 1 of the submissions does not count toward it. Last evaluated 2024-02-20.

Conditions:
GGCX-related disorder. Also called: GGCX-related condition; GGCX - Related Disorders.

Allele frequency attached by ClinVar (database versions not stated): TOPMed below 0.00001; ExAC 0.00004.
gnomAD v4.1: 31 of 1,612,966 alleles (0.0019%); highest among the groups gnomAD compares: South Asian, 0.018%; no homozygotes.

Submissions (2):

Labcorp Genetics (formerly Invitae), Labcorp
Classification: Likely benign. Last evaluated: 2024-02-20. Review status: criteria provided, single submitter. Criteria: Invitae Variant Classification Sherloc (09022015). Collection method: clinical testing. Allele origin: germline.

PreventionGenetics, part of Exact Sciences
Classification: Likely benign for GGCX-related condition. Last evaluated: 2019-02-22. Review status: no assertion criteria provided. Collection method: clinical testing. Allele origin: germline. Not counted in ClinVar's aggregate classification.
Comment: This variant is classified as likely benign based on ACMG/AMP sequence variant interpretation guidelines (Richards et al. 2015 PMID: 25741868, with internal and published modifications).